The following is an entry in ClinVar:

ClinVar aggregate classification (germline): Likely benign. Review status: criteria provided, multiple submitters, no conflicts (2 of 4 stars). 2 submissions from 2 submitters: Likely benign (2). Last evaluated 2025-06-11.

Conditions:
MYORG-related disorder. Also called: MYORG-related condition.

Allele frequency attached by ClinVar (database versions not stated): ESP Exome Variant Server 0.00008; 1000 Genomes Project 30x 0.00016; TOPMed 0.00017; gnomAD 0.00018 and 0.00019; 1000 Genomes Project 0.00020.
gnomAD v4.1: 60 of 1,611,392 alleles (0.0037%); highest among the groups gnomAD compares: African/African-American, 0.075%; no homozygotes.

Submissions (2):

PreventionGenetics, part of Exact Sciences
Classification: Likely benign for MYORG-related condition. Last evaluated: 2025-06-11. Review status: criteria provided, single submitter. Criteria: ACMG Guidelines, 2015. Collection method: clinical testing. Allele origin: germline.
Comment: This variant is classified as likely benign based on ACMG/AMP sequence variant interpretation guidelines (Richards et al. 2015 PMID: 25741868, with internal and published modifications).

Labcorp Genetics (formerly Invitae), Labcorp
Classification: Likely benign. Last evaluated: 2022-09-01. Review status: criteria provided, single submitter. Criteria: Invitae Variant Classification Sherloc (09022015). Collection method: clinical testing. Allele origin: germline.

NM_020702.5(MYORG):c.1452C>T (p.Ser484=)

Gene: MYORG (myogenesis regulating glycosidase; minus strand). Cytogenetic location: 9p13.3.
Variant type: single nucleotide variant.
Coding change: c.1452C>T on transcript NM_020702.5 (MANE Select); coding-DNA position 1452, C replaced by T.
Protein change: p.Ser484=; no amino-acid change (serine 484 retained).
Molecular consequence: synonymous variant.
Genome position (GRCh38, 1-based): chr9:34,371,492, G>A on the plus strand (C>T on the coding strand, the complement: MYORG is on the minus strand). VCF-style: chr9-34371492-G-A. GRCh37 (hg19) VCF-style: chr9-34371490-G-A.
Other names: c.1452C>T (NM_020702.4).
Identifiers: ClinVar variation 1681297 (VCV001681297.9), dbSNP rs371063506, ClinGen allele CA5032921.